The following is an entry in ClinVar:

NM_199242.3(UNC13D):c.117+143A>G

Gene: UNC13D (unc-13 homolog D; minus strand). Cytogenetic location: 17q25.1.
Variant type: single nucleotide variant.
Coding change: c.117+143A>G on transcript NM_199242.3 (MANE Select); 143 bases into the intron after coding-DNA position 117, A replaced by G.
Molecular consequence: intron variant.
Genome position (GRCh38, 1-based): chr17:75,844,078, T>C on the plus strand (A>G on the coding strand, the complement: UNC13D is on the minus strand). VCF-style: chr17-75844078-T-C. GRCh37 (hg19) VCF-style: chr17-73840159-T-C.
Identifiers: ClinVar variation 1299418 (VCV001299418.3), dbSNP rs931794659, ClinGen allele CA294091487.

ClinVar aggregate classification (germline): Uncertain significance. Review status: criteria provided, single submitter (1 of 4 stars). 2 submissions from 2 submitters: Uncertain significance (1). 1 of the submissions does not count toward it. Last evaluated 2024-07-16.

Conditions:
Familial hemophagocytic lymphohistiocytosis 3 (FHL3). Also called: UNC13D-Related Familial Hemophagocytic Lymphohistiocytosis (UNC13D-fHLH). Identifiers: Orphanet 540, MedGen C1837174, MONDO:0012146, OMIM 608898.

Allele frequency attached by ClinVar (database versions not stated): gnomAD 0.00001 and 0.00002; gnomAD exomes 0.00003; TOPMed 0.00003.
gnomAD v4.1: 42 of 1,473,032 alleles (0.0029%); highest among the groups gnomAD compares: Admixed American, 0.0038%; no homozygotes.

Submissions (2):

Women's Health and Genetics/Laboratory Corporation of America, LabCorp
Classification: Uncertain significance. Last evaluated: 2024-07-16. Review status: criteria provided, single submitter. Criteria: LabCorp Variant Classification Summary - May 2015. Collection method: clinical testing. Allele origin: germline.
Comment: Variant summary: UNC13D c.117+143A>G is located at a position not widely known to affect splicing. Consensus agreement among computation tools predict no significant impact on normal splicing. However, these predictions have yet to be confirmed by functional studies. The variant allele was found at a frequency of 2.9e-05 in 1473032 control chromosomes. This frequency is not significantly higher than estimated for a pathogenic variant in UNC13D causing Familial Hemophagocytic Lymphohistiocytosis (2.9e-05 vs 0.0027), allowing no conclusion about variant significance. c.117+143A>G has been reported in the literature in the heterozygous state in at least one individual affected with macrophage activation syndrome, however a second allel was not identified (e.g. Schulert_2018). These report(s) do not provide unequivocal conclusions about association of the variant with Familial Hemophagocytic Lymphohistiocytosis. At least one publication reports experimental evidence that this variant results in reduced transcript levels in patient cells and reduced enhancer activity in vitro (e.g. Schulert_2018). The following publication have been ascertained in the context of this evaluation (PMID: 29409136). ClinVar contains an entry for this variant (Variation ID: 1299418). Based on the evidence outlined above, the variant was classified as VUS-possibly benign.

GeneReviews
No classification provided. Condition: Familial hemophagocytic lymphohistiocytosis 3. Review status: no classification provided. Collection method: literature only. Allele origin: germline. Not counted in ClinVar's aggregate classification.
Comment: Disruption of enhancer resulting in decreased gene transcription [Schulert et al 2018]

Literature cited by the submitters: PubMed 29409136 (cited by Women's Health and Genetics/Laboratory Corporation of America, LabCorp and GeneReviews).